The following is an entry in ClinVar:

NM_005138.3(SCO2):c.330_331del (p.Gly111fs)

Genes: NCAPH2 (non-SMC condensin II complex subunit H2; plus strand), SCO2 (synthesis of cytochrome C oxidase 2; minus strand). Cytogenetic location: 22q13.33.
Variant type: Microsatellite.
Coding change: c.330_331del on transcript NM_005138.3 (MANE Select); coding-DNA positions 330 to 331, 2 bases deleted (AG; older notation c.330_331delAG).
Protein change: p.Gly111fs; shifts the reading frame from glycine 111.
Molecular consequence: frameshift variant. On other transcripts: 3 prime UTR variant (2).
Genome position (GRCh38, 1-based): chr22:50,524,081-50,524,082, CT deleted on the plus strand (AG on the coding strand, the reverse complement: SCO2 is on the minus strand); deleting any 2 consecutive bases within chr22:50,524,081-50,524,084 gives the same sequence; the c. name uses the placement nearest the transcript's 3' end. VCF-style (leftmost placement, unchanged base first): chr22-50524080-CCT-C. GRCh37 (hg19) VCF-style: chr22-50962509-CCT-C.
Other names: c.*706CT[1] (NM_001185011.2, NM_152299.4); c.330_331del, p.Gly111fs (NM_001169109.2, NM_001169110.1, NM_001169111.2); short protein forms G111fs.
Identifiers: ClinVar variation 2800038 (VCV002800038.3), dbSNP rs2522472413, ClinGen allele CA2577766441.

ClinVar aggregate classification (germline): Pathogenic (1 of 4 stars; one submission).

Submission:

Labcorp Genetics (formerly Invitae), Labcorp
Classification: Pathogenic. Last evaluated: 2024-02-09. Review status: criteria provided, single submitter. Criteria: Invitae Variant Classification Sherloc (09022015). Collection method: clinical testing. Allele origin: germline.
Comment: This sequence change creates a premature translational stop signal (p.Gly111Profs*7) in the SCO2 gene. While this is not anticipated to result in nonsense mediated decay, it is expected to disrupt the last 156 amino acid(s) of the SCO2 protein. This variant is not present in population databases (gnomAD no frequency). This variant has not been reported in the literature in individuals affected with SCO2-related conditions. This variant disrupts a region of the SCO2 protein in which other variant(s) (p.Gly193Ser) have been determined to be pathogenic (PMID: 19353847, 29193756, 32600061). This suggests that this is a clinically significant region of the protein, and that variants that disrupt it are likely to be disease-causing. For these reasons, this variant has been classified as Pathogenic.

Literature cited by the submitters: PubMed 19353847; PubMed 29193756; PubMed 32600061.